The following is an entry in ClinVar:

NM_003126.4(SPTA1):c.4919C>G (p.Ala1640Gly)

Gene: SPTA1 (spectrin alpha, erythrocytic 1; minus strand). Cytogenetic location: 1q23.1.
Variant type: single nucleotide variant.
Coding change: c.4919C>G on transcript NM_003126.4 (MANE Select); coding-DNA position 4919, C replaced by G.
Protein change: p.Ala1640Gly; replaces alanine 1640 with glycine.
Molecular consequence: missense variant.
Genome position (GRCh38, 1-based): chr1:158,639,643, G>C on the plus strand (C>G on the coding strand, the complement: SPTA1 is on the minus strand). VCF-style: chr1-158639643-G-C. GRCh37 (hg19) VCF-style: chr1-158609433-G-C.
Other names: p.Ala1640Gly; short protein forms A1640G.
Identifiers: ClinVar variation 292979 (VCV000292979.8), dbSNP rs369714529, ClinGen allele CA1182494.

ClinVar aggregate classification (germline): Conflicting classifications of pathogenicity. Review status: criteria provided, conflicting classifications (1 of 4 stars). 5 submissions from 3 submitters: Uncertain significance (2); Benign (1); Likely benign (2). Last evaluated 2025-04-28.

Conditions:
Pyropoikilocytosis, hereditary. Also called: Pyropoikilocytosis. Identifiers: MedGen C0520739, MONDO:0009948, OMIM 266140, HP:0004839. Disease mechanism: loss of function.
Elliptocytosis 2 (EL2). Also called: ELLIPTOCYTOSIS, RHESUS-UNLINKED TYPE. Identifiers: Orphanet 288, MedGen C1851741, MONDO:0007533, OMIM 130600.
Hereditary spherocytosis type 3. Also called: Spherocytosis type 3; SPTA1-Related Spherocytosis. Identifiers: Orphanet 822, MedGen C2678338, MONDO:0010053, OMIM 270970.

Allele frequency attached by ClinVar (database versions not stated): gnomAD 0.00001; TOPMed 0.00006; gnomAD exomes 0.00172; 1000 Genomes Project 30x 0.00187; ExAC 0.00196; 1000 Genomes Project 0.00220.
gnomAD v4.1: 1,400 of 1,613,894 alleles (0.087%); highest among the groups gnomAD compares: South Asian, 1.5%; 25 homozygotes.

Submissions (5):

Labcorp Genetics (formerly Invitae), Labcorp
Classification: Benign. Last evaluated: 2025-04-28. Review status: criteria provided, single submitter. Criteria: Invitae Variant Classification Sherloc (09022015). Collection method: clinical testing. Allele origin: germline.

Mayo Clinic Laboratories, Mayo Clinic
Classification: Likely benign. Last evaluated: 2024-11-26. Review status: criteria provided, single submitter. Criteria: ACMG Guidelines, 2015. Collection method: clinical testing. Allele origin: germline. Observed: 1 variant allele.
Comment: BS1, BP4

Illumina Laboratory Services, Illumina
Classification: Uncertain significance for Hereditary spherocytosis type 3. Last evaluated: 2018-01-12. Review status: criteria provided, single submitter. Criteria: ICSL Variant Classification Criteria 13 December 2019. Collection method: clinical testing. Allele origin: germline.

Illumina Laboratory Services, Illumina
Classification: Likely benign for Elliptocytosis 2. Last evaluated: 2018-01-12. Review status: criteria provided, single submitter. Criteria: ICSL Variant Classification Criteria 13 December 2019. Collection method: clinical testing. Allele origin: germline.
Comment: This variant was observed in the ICSL laboratory as part of a predisposition screen in an ostensibly healthy population. It had not been previously curated by ICSL or reported in the Human Gene Mutation Database (HGMD: prior to June 1st, 2018), and was therefore a candidate for classification through an automated scoring system. Utilizing variant allele frequency, disease prevalence and penetrance estimates, and inheritance mode, an automated score was calculated to assess if this variant is too frequent to cause the disease. Based on the score and internal cut-off values, a variant classified as likely benign is not then subjected to further curation. The score for this variant resulted in a classification of likely benign for this disease.

Illumina Laboratory Services, Illumina
Classification: Uncertain significance for Pyropoikilocytosis, hereditary. Last evaluated: 2018-01-12. Review status: criteria provided, single submitter. Criteria: ICSL Variant Classification Criteria 13 December 2019. Collection method: clinical testing. Allele origin: germline.